The following is an entry in ClinVar:

ClinVar aggregate classification (germline): Uncertain significance (1 of 4 stars; one submission).

Conditions:
Leber congenital amaurosis 13 (LCA13). Identifiers: MedGen C2675186, MONDO:0012990, OMIM 612712.

Submission:

Labcorp Genetics (formerly Invitae), Labcorp
Classification: Uncertain significance for Leber congenital amaurosis 13. Last evaluated: 2022-07-19. Review status: criteria provided, single submitter. Criteria: Invitae Variant Classification Sherloc (09022015). Collection method: clinical testing. Allele origin: germline.
Comment: This variant is not present in population databases (gnomAD no frequency). This variant has not been reported in the literature in individuals affected with RDH12-related conditions. Algorithms developed to predict the effect of missense changes on protein structure and function output the following: SIFT: "Tolerated"; PolyPhen-2: "Benign"; Align-GVGD: "Class C0". The serine amino acid residue is found in multiple mammalian species, which suggests that this missense change does not adversely affect protein function. In summary, the available evidence is currently insufficient to determine the role of this variant in disease. Therefore, it has been classified as a Variant of Uncertain Significance. This sequence change replaces proline, which is neutral and non-polar, with serine, which is neutral and polar, at codon 292 of the RDH12 protein (p.Pro292Ser).

NM_152443.3(RDH12):c.874C>T (p.Pro292Ser)

Genes: ZFYVE26 (zinc finger FYVE-type containing 26; minus strand), RDH12 (retinol dehydrogenase 12; plus strand), GPHN (gephyrin; plus strand). Cytogenetic location: 14q24.1.
Variant type: single nucleotide variant.
Coding change: c.874C>T on transcript NM_152443.3 (MANE Select); coding-DNA position 874, C replaced by T.
Protein change: p.Pro292Ser; replaces proline 292 with serine.
Molecular consequence: missense variant.
Genome position (GRCh38, 1-based): chr14:67,733,771, C>T. VCF-style: chr14-67733771-C-T. GRCh37 (hg19) VCF-style: chr14-68200488-C-T.
Other names: short protein forms P292S.
Identifiers: ClinVar variation 2076882 (VCV002076882.4), dbSNP rs2503871543, ClinGen allele CA390154054.